The following is an entry in ClinVar:

NM_024426.6(WT1):c.535G>C (p.Ala179Pro)

Genes: WT1 (WT1 transcription factor; minus strand), LOC107982234 (WT1/WT1-AS bi-directional promoter region; plus strand). Cytogenetic location: 11p13.
Variant type: single nucleotide variant.
Coding change: c.535G>C on transcript NM_024426.6 (MANE Select); coding-DNA position 535, G replaced by C.
Protein change: p.Ala179Pro; replaces alanine 179 with proline.
Molecular consequence: missense variant. On other transcripts: non-coding transcript variant (2).
Genome position (GRCh38, 1-based): chr11:32,434,826, C>G on the plus strand (G>C on the coding strand, the complement: WT1 is on the minus strand). VCF-style: chr11-32434826-C-G. GRCh37 (hg19) VCF-style: chr11-32456372-C-G.
Other names: c.535G>C, p.Ala179Pro (NM_000378.6, NM_001407044.1, NM_001407045.1 and 6 more transcripts); c.316G>C, p.Ala106Pro (NM_001429031.1, NM_001429032.1, NM_001429033.1 and 1 more transcripts); short protein forms A174P, A106P, A179P.
Identifiers: ClinVar variation 3982467 (VCV003982467.1).

ClinVar aggregate classification (germline): Uncertain significance (1 of 4 stars; one submission).

Conditions:
Inborn genetic diseases. Identifiers: MedGen C0950123, MeSH D030342.

gnomAD v4.1: 2 of 1,612,506 alleles (0.00012%); highest among the groups gnomAD compares: Non-Finnish European, 0.00017%; no homozygotes.

Submission:

Ambry Genetics
Classification: Uncertain significance for Inborn genetic diseases. Last evaluated: 2025-05-11. Review status: criteria provided, single submitter. Criteria: Ambry Variant Classification Scheme 2023. Collection method: clinical testing. Allele origin: germline.
Comment: The p.A174P variant (also known as c.520G>C), located in coding exon 1 of the WT1 gene, results from a G to C substitution at nucleotide position 520. The alanine at codon 174 is replaced by proline, an amino acid with highly similar properties. This amino acid position is conserved. In addition, this alteration is predicted to be tolerated by in silico analysis. Based on the available evidence, the clinical significance of this variant remains unclear.